The following is an entry in ClinVar:

ClinVar aggregate classification (germline): Uncertain significance. Review status: criteria provided, multiple submitters, no conflicts (2 of 4 stars). 2 submissions from 2 submitters: Uncertain significance (2). Last evaluated 2025-07-13.

Conditions:
DICER1-related tumor predisposition. Also called: DICER1-related pleuropulmonary blastoma cancer predisposition syndrome; DICER1 syndrome. Identifiers: Orphanet 284343, MedGen C3839822, MONDO:0100216.
Hereditary cancer-predisposing syndrome. Also called: Tumor predisposition; Hereditary Cancer Syndrome; Neoplastic Syndromes, Hereditary; Hereditary neoplastic syndrome. Identifiers: Orphanet 140162, MedGen C0027672, MeSH D009386, MONDO:0015356.

Allele frequency attached by ClinVar (database versions not stated): ExAC 0.00001.

Submissions (2):

Ambry Genetics
Classification: Uncertain significance for Hereditary cancer-predisposing syndrome. Last evaluated: 2025-07-13. Review status: criteria provided, single submitter. Criteria: Ambry Variant Classification Scheme 2023. Collection method: clinical testing. Allele origin: germline.
Comment: The p.M190V variant (also known as c.568A>G), located in coding exon 4 of the DICER1 gene, results from an A to G substitution at nucleotide position 568. The methionine at codon 190 is replaced by valine, an amino acid with highly similar properties. This amino acid position is conserved. In addition, this alteration is predicted to be deleterious by in silico analysis. Based on the available evidence, the clinical significance of this variant remains unclear.

Labcorp Genetics (formerly Invitae), Labcorp
Classification: Uncertain significance for DICER1-related tumor predisposition. Last evaluated: 2024-12-07. Review status: criteria provided, single submitter. Criteria: Invitae Variant Classification Sherloc (09022015). Collection method: clinical testing. Allele origin: germline.
Comment: This sequence change replaces methionine, which is neutral and non-polar, with valine, which is neutral and non-polar, at codon 190 of the DICER1 protein (p.Met190Val). This variant is not present in population databases (gnomAD no frequency). This variant has not been reported in the literature in individuals affected with DICER1-related conditions. ClinVar contains an entry for this variant (Variation ID: 1010402). Invitae Evidence Modeling of protein sequence and biophysical properties (such as structural, functional, and spatial information, amino acid conservation, physicochemical variation, residue mobility, and thermodynamic stability) has been performed for this missense variant. However, the output from this modeling did not meet the statistical confidence thresholds required to predict the impact of this variant on DICER1 protein function. In summary, the available evidence is currently insufficient to determine the role of this variant in disease. Therefore, it has been classified as a Variant of Uncertain Significance.

NM_177438.3(DICER1):c.568A>G (p.Met190Val)

Gene: DICER1 (dicer 1, ribonuclease III; minus strand). Cytogenetic location: 14q32.13.
Variant type: single nucleotide variant.
Coding change: c.568A>G on transcript NM_177438.3 (MANE Select); coding-DNA position 568, A replaced by G.
Protein change: p.Met190Val; replaces methionine 190 with valine.
Molecular consequence: missense variant.
Genome position (GRCh38, 1-based): chr14:95,130,063, T>C on the plus strand (A>G on the coding strand, the complement: DICER1 is on the minus strand). VCF-style: chr14-95130063-T-C. GRCh37 (hg19) VCF-style: chr14-95596400-T-C.
Other names: c.568A>G, p.Met190Val (NM_001195573.1, NM_001271282.3, NM_001291628.2 and 1 more transcripts); c.568A>G (NM_177438.2); short protein forms M190V.
Identifiers: ClinVar variation 1010402 (VCV001010402.11), dbSNP rs769477041, ClinGen allele CA7331639.